The following is an entry in ClinVar:

ClinVar aggregate classification (germline): Uncertain significance. Review status: criteria provided, multiple submitters, no conflicts (2 of 4 stars). 2 submissions from 2 submitters: Uncertain significance (2). Last evaluated 2022-11-17.

Allele frequency attached by ClinVar (database versions not stated): gnomAD exomes below 0.00001 and 0.00003; gnomAD 0.00001 and 0.00002; TOPMed 0.00001; 1000 Genomes Project 30x 0.00016.
gnomAD v4.1: 9 of 1,468,156 alleles (0.00061%); highest among the groups gnomAD compares: Admixed American, 0.0075%; no homozygotes.

Submissions (2):

Blueprint Genetics
Classification: Uncertain significance. Last evaluated: 2022-11-17. Review status: criteria provided, single submitter. Criteria: ACMG Guidelines, 2015. Collection method: clinical testing. Allele origin: germline.

Labcorp Genetics (formerly Invitae), Labcorp
Classification: Uncertain significance. Last evaluated: 2022-08-05. Review status: criteria provided, single submitter. Criteria: Invitae Variant Classification Sherloc (09022015). Collection method: clinical testing. Allele origin: germline.
Comment: This sequence change replaces methionine, which is neutral and non-polar, with threonine, which is neutral and polar, at codon 7 of the CFAP410 protein (p.Met7Thr). This variant is present in population databases (no rsID available, gnomAD 0.02%). This variant has not been reported in the literature in individuals affected with CFAP410-related conditions. ClinVar contains an entry for this variant (Variation ID: 1424850). Algorithms developed to predict the effect of missense changes on protein structure and function (SIFT, PolyPhen-2, Align-GVGD) all suggest that this variant is likely to be tolerated. In summary, the available evidence is currently insufficient to determine the role of this variant in disease. Therefore, it has been classified as a Variant of Uncertain Significance.

NM_004928.3(CFAP410):c.20T>C (p.Met7Thr)

Genes: CFAP410 (cilia and flagella associated protein 410; minus strand), LOC130066823 (ATAC-STARR-seq lymphoblastoid silent region 13383; plus strand). Cytogenetic location: 21q22.3.
Variant type: single nucleotide variant.
Coding change: c.20T>C on transcript NM_004928.3 (MANE Select); coding-DNA position 20, T replaced by C.
Protein change: p.Met7Thr; replaces methionine 7 with threonine.
Molecular consequence: missense variant.
Genome position (GRCh38, 1-based): chr21:44,339,175, A>G on the plus strand (T>C on the coding strand, the complement: CFAP410 is on the minus strand). VCF-style: chr21-44339175-A-G. GRCh37 (hg19) VCF-style: chr21-45759058-A-G.
Other names: c.20T>C, p.Met7Thr (NM_001271440.2, NM_001271441.2); short protein forms M7T.
Identifiers: ClinVar variation 1424850 (VCV001424850.6), dbSNP rs975938807, ClinGen allele CA321788202.